The following is an entry in ClinVar:

ClinVar aggregate classification (germline): Uncertain significance (1 of 4 stars; one submission).

Submission:

GeneDx
Classification: Uncertain significance. Last evaluated: 2023-02-10. Review status: criteria provided, single submitter. Criteria: GeneDx Variant Classification Process June 2021. Collection method: clinical testing. Allele origin: germline. Affected: yes.
Comment: Not observed at significant frequency in large population cohorts (gnomAD); In silico analysis supports that this missense variant does not alter protein structure/function; Has not been previously published as pathogenic or benign to our knowledge

NM_014991.6(WDFY3):c.3932C>T (p.Pro1311Leu)

Gene: WDFY3 (WD repeat and FYVE domain containing 3; minus strand). Cytogenetic location: 4q21.23.
Variant type: single nucleotide variant.
Coding change: c.3932C>T on transcript NM_014991.6 (MANE Select); coding-DNA position 3932, C replaced by T.
Protein change: p.Pro1311Leu; replaces proline 1311 with leucine.
Molecular consequence: missense variant.
Genome position (GRCh38, 1-based): chr4:84,786,109, G>A on the plus strand (C>T on the coding strand, the complement: WDFY3 is on the minus strand). VCF-style: chr4-84786109-G-A. GRCh37 (hg19) VCF-style: chr4-85707262-G-A.
Other names: short protein forms P1311L.
Identifiers: ClinVar variation 2575631 (VCV002575631.1), dbSNP rs1747506698, ClinGen allele CA357554081.